The following is an entry in ClinVar:

ClinVar aggregate classification (germline): Uncertain significance (1 of 4 stars; one submission).

Conditions:
Idiopathic Pulmonary Fibrosis. Also called: Idiopathic fibrosing alveolitis, chronic form; idiopathic fibrosing alveolitis. Identifiers: Orphanet 2032, MedGen C1800706, MeSH D054990, MONDO:0800504.
Dyskeratosis congenita, autosomal dominant 2. Identifiers: MedGen C3151443, MONDO:0013521, OMIM 613989.

Submission:

Labcorp Genetics (formerly Invitae), Labcorp
Classification: Uncertain significance for Dyskeratosis congenita, autosomal dominant 2; Idiopathic Pulmonary Fibrosis. Last evaluated: 2018-06-12. Review status: criteria provided, single submitter. Criteria: Invitae Variant Classification Sherloc (09022015). Collection method: clinical testing. Allele origin: germline.
Comment: This variant is not present in population databases (ExAC no frequency). This sequence change replaces isoleucine with methionine at codon 729 of the TERT protein (p.Ile729Met). The isoleucine residue is moderately conserved and there is a small physicochemical difference between isoleucine and methionine. This variant has not been reported in the literature in individuals with TERT-related disease. In summary, the available evidence is currently insufficient to determine the role of this variant in disease. Therefore, it has been classified as a Variant of Uncertain Significance. Algorithms developed to predict the effect of missense changes on protein structure and function are either unavailable or do not agree on the potential impact of this missense change (SIFT: "Deleterious"; PolyPhen-2: "Possibly Damaging"; Align-GVGD: "Class C0").

NM_198253.3(TERT):c.2187C>G (p.Ile729Met)

Gene: TERT (telomerase reverse transcriptase; minus strand). Cytogenetic location: 5p15.33.
Variant type: single nucleotide variant.
Coding change: c.2187C>G on transcript NM_198253.3 (MANE Select); coding-DNA position 2187, C replaced by G.
Protein change: p.Ile729Met; replaces isoleucine 729 with methionine.
Molecular consequence: missense variant. On other transcripts: non-coding transcript variant (2).
Genome position (GRCh38, 1-based): chr5:1,278,740, G>C on the plus strand (C>G on the coding strand, the complement: TERT is on the minus strand). VCF-style: chr5-1278740-G-C. GRCh37 (hg19) VCF-style: chr5-1278855-G-C.
Other names: c.2187C>G, p.Ile729Met (NM_001193376.3); short protein forms I729M.
Identifiers: ClinVar variation 565555 (VCV000565555.9), dbSNP rs200819224, ClinGen allele CA359079507.